The following is an entry in ClinVar:

ClinVar aggregate classification (germline): Likely pathogenic (1 of 4 stars; one submission).

Submission:

GeneDx
Classification: Likely pathogenic. Last evaluated: 2026-02-20. Review status: criteria provided, single submitter. Criteria: GeneDx Variant Classification Process June 2021. Collection method: clinical testing. Allele origin: germline.
Comment: Frameshift variant predicted to result in abnormal protein length as the last 231 amino acids are replaced with 42 different amino acids, and other similar variants have been reported in HGMD; Not observed at significant frequency in large population cohorts (gnomAD); Has not been previously published as pathogenic or benign to our knowledge

NM_005585.5(SMAD6):c.777_795dup (p.Phe266fs)

Gene: SMAD6 (SMAD family member 6; plus strand). Cytogenetic location: 15q22.31.
Variant type: Duplication.
Coding change: c.777_795dup on transcript NM_005585.5 (MANE Select); coding-DNA positions 777 to 795, 19 bases duplicated (GTGCTGCAACCCCTACCAC).
Protein change: p.Phe266fs; shifts the reading frame from phenylalanine 266.
Molecular consequence: frameshift variant. On other transcripts: non-coding transcript variant (1).
Genome position (GRCh38, 1-based): chr15:66,704,035-66,704,053, GTGCTGCAACCCCTACCAC duplicated. VCF-style (leftmost placement, unchanged base first): chr15-66704034-T-TGTGCTGCAACCCCTACCAC. GRCh37 (hg19) VCF-style: chr15-66996372-T-TGTGCTGCAACCCCTACCAC.
Other names: short protein forms F266fs.
Identifiers: ClinVar variation 5009883 (VCV005009883.1).